The following is an entry in ClinVar:

NM_001199397.3(NEK1):c.3637C>A (p.His1213Asn)

Gene: NEK1 (NIMA related kinase 1; minus strand). Cytogenetic location: 4q33.
Variant type: single nucleotide variant.
Coding change: c.3637C>A on transcript NM_001199397.3 (MANE Select); coding-DNA position 3637, C replaced by A.
Protein change: p.His1213Asn; replaces histidine 1213 with asparagine.
Molecular consequence: missense variant. On other transcripts: non-coding transcript variant (1).
Genome position (GRCh38, 1-based): chr4:169,400,598, G>T on the plus strand (C>A on the coding strand, the complement: NEK1 is on the minus strand). VCF-style: chr4-169400598-G-T. GRCh37 (hg19) VCF-style: chr4-170321749-G-T.
Other names: c.3505C>A, p.His1169Asn (NM_001199398.3); c.3346C>A, p.His1116Asn (NM_001199399.3); c.3421C>A, p.His1141Asn (NM_001199400.3); c.3637C>A, p.His1213Asn (NM_001374418.1); c.3553C>A, p.His1185Asn (NM_001374419.1, NM_012224.4); c.3502C>A, p.His1168Asn (NM_001374420.1); c.3154C>A, p.His1052Asn (NM_001374421.1); c.3460C>A, p.His1154Asn (NM_001440620.1); and 5 more; short protein forms H1082N, H1126N, H1213N, H1116N, H1154N, H1141N, H1185N, H934N.
Identifiers: ClinVar variation 4763941 (VCV004763941.1).

ClinVar aggregate classification (germline): Uncertain significance (1 of 4 stars; one submission).

Conditions:
Short-rib thoracic dysplasia 6 with or without polydactyly (SRTD6). Also called: SHORT-RIB THORACIC DYSPLASIA 6 WITH POLYDACTYLY; SHORT-RIB THORACIC DYSPLASIA 6 WITHOUT POLYDACTYLY; POLYDACTYLY WITH NEONATAL CHONDRODYSTROPHY, TYPE II; Majewski Syndrome; SHORT RIB-POLYDACTYLY SYNDROME, TYPE IIA. Identifiers: MedGen C0024507, MONDO:0009894, OMIM 263520.

gnomAD v4.1: 5 of 1,605,752 alleles (0.00031%); highest among the groups gnomAD compares: Non-Finnish European, 0.00043%; no homozygotes.

Submission:

Labcorp Genetics (formerly Invitae), Labcorp
Classification: Uncertain significance for Short-rib thoracic dysplasia 6 with or without polydactyly. Last evaluated: 2025-12-29. Review status: criteria provided, single submitter. Criteria: Invitae Variant Classification Sherloc (09022015). Collection method: clinical testing. Allele origin: germline.
Comment: This sequence change replaces histidine, which is basic and polar, with asparagine, which is neutral and polar, at codon 1185 of the NEK1 protein (p.His1185Asn). This variant is not present in population databases (gnomAD no frequency). This variant has not been reported in the literature in individuals affected with NEK1-related conditions. Invitae Evidence Modeling of protein sequence and biophysical properties (such as structural, functional, and spatial information, amino acid conservation, physicochemical variation, residue mobility, and thermodynamic stability) has been performed for this missense variant. However, the output from this modeling did not meet the statistical confidence thresholds required to predict the impact of this variant on NEK1 protein function. In summary, the available evidence is currently insufficient to determine the role of this variant in disease. Therefore, it has been classified as a Variant of Uncertain Significance.